The following is an entry in ClinVar:

ClinVar aggregate classification (germline): Conflicting classifications of pathogenicity. Review status: criteria provided, conflicting classifications (1 of 4 stars). 3 submissions from 3 submitters: Uncertain significance (2); Benign (1). Last evaluated 2026-03-10.

Conditions:
Kabuki syndrome. Also called: Kabuki make-up syndrome; NIIKAWA-KUROKI SYNDROME. Identifiers: Orphanet 2322, MedGen C0796004, MONDO:0016512.
Kabuki syndrome 1 (KABUK1). Also called: KMT2D-Related Kabuki Syndrome. Identifiers: Orphanet 2322, MedGen CN030661, MONDO:0007843, OMIM 147920.
KMT2D-related disorder. Also called: KMT2D-Related Disorders.

Allele frequency attached by ClinVar (database versions not stated): TOPMed 0.00002.
gnomAD v4.1: 24 of 1,608,044 alleles (0.0015%); highest among the groups gnomAD compares: Admixed American, 0.0067%; no homozygotes.

Submissions (3):

PreventionGenetics, part of Exact Sciences
Classification: Uncertain significance for KMT2D-related condition. Last evaluated: 2026-03-10. Review status: criteria provided, single submitter. Criteria: ACMG Guidelines, 2015. Collection method: clinical testing. Allele origin: germline.
Comment: The KMT2D c.2992C>T variant is predicted to result in the amino acid substitution p.Pro998Ser. To our knowledge, this variant has not been reported in the literature. This variant is reported in 0.0065% of alleles in individuals of African descent in gnomAD. At this time, the clinical significance of this variant is uncertain due to the absence of conclusive functional and genetic evidence.

Labcorp Genetics (formerly Invitae), Labcorp
Classification: Benign for Kabuki syndrome. Last evaluated: 2024-08-02. Review status: criteria provided, single submitter. Criteria: Invitae Variant Classification Sherloc (09022015). Collection method: clinical testing. Allele origin: germline.

Center for Human Genetics, Inc
Classification: Uncertain significance for Kabuki syndrome 1. Last evaluated: 2016-11-01. Review status: criteria provided, single submitter. Criteria: ACMG Guidelines, 2015. Collection method: clinical testing. Allele origin: germline. Affected: yes.

NM_003482.4(KMT2D):c.2992C>T (p.Pro998Ser)

Gene: KMT2D (lysine methyltransferase 2D; minus strand). Cytogenetic location: 12q13.12.
Variant type: single nucleotide variant.
Coding change: c.2992C>T on transcript NM_003482.4 (MANE Select); coding-DNA position 2992, C replaced by T.
Protein change: p.Pro998Ser; replaces proline 998 with serine.
Molecular consequence: missense variant.
Genome position (GRCh38, 1-based): chr12:49,050,596, G>A on the plus strand (C>T on the coding strand, the complement: KMT2D is on the minus strand). VCF-style: chr12-49050596-G-A. GRCh37 (hg19) VCF-style: chr12-49444379-G-A.
Other names: short protein forms P998S.
Identifiers: ClinVar variation 547412 (VCV000547412.5), dbSNP rs143711798, ClinGen allele CA236618364.